The following is an entry in ClinVar:

NM_002691.4(POLD1):c.607G>A (p.Gly203Arg)

Gene: POLD1 (DNA polymerase delta 1, catalytic subunit; plus strand). Cytogenetic location: 19q13.33.
Variant type: single nucleotide variant.
Coding change: c.607G>A on transcript NM_002691.4 (MANE Select); coding-DNA position 607, G replaced by A.
Protein change: p.Gly203Arg; replaces glycine 203 with arginine.
Molecular consequence: missense variant. On other transcripts: non-coding transcript variant (1).
Genome position (GRCh38, 1-based): chr19:50,402,222, G>A. VCF-style: chr19-50402222-G-A. GRCh37 (hg19) VCF-style: chr19-50905479-G-A.
Other names: c.607G>A, p.Gly203Arg (NM_001256849.1, NM_001308632.1); c.607G>A (NM_002691.2); short protein forms G203R.
Identifiers: ClinVar variation 420334 (VCV000420334.29), dbSNP rs369896998, ClinGen allele CA9595834.

ClinVar aggregate classification (germline): Uncertain significance. Review status: criteria provided, multiple submitters, no conflicts (2 of 4 stars). 6 submissions from 6 submitters: Uncertain significance (5). 1 of the submissions does not count toward it. Last evaluated 2025-06-30.

Conditions:
Hereditary cancer-predisposing syndrome. Also called: Neoplastic Syndromes, Hereditary; Hereditary neoplastic syndrome; Tumor predisposition; Hereditary Cancer Syndrome. Identifiers: Orphanet 140162, MedGen C0027672, MeSH D009386, MONDO:0015356.
POLD1-related polyposis and colorectal cancer syndrome (CRCS10). Also called: Colorectal cancer 10; COLORECTAL CANCER, SUSCEPTIBILITY TO, ON CHROMOSOME 19q; Colorectal cancer, susceptibility to, 10. Identifiers: Orphanet 220460, MedGen C2675481, MONDO:0012953, OMIM 612591.
POLD1-related disorder. Also called: POLD1-related condition; POLD1-related disorders.

Allele frequency attached by ClinVar (database versions not stated): gnomAD exomes 0.00002 and 0.00003; ExAC 0.00003; gnomAD 0.00007; TOPMed 0.00010; ESP Exome Variant Server 0.00015; 1000 Genomes Project 30x 0.00016.
gnomAD v4.1: 43 of 1,585,610 alleles (0.0027%); highest among the groups gnomAD compares: African/African-American, 0.027%; no homozygotes.

Submissions (6):

GeneDx
Classification: Uncertain significance. Last evaluated: 2025-06-30. Review status: criteria provided, single submitter. Criteria: GeneDx Variant Classification Process June 2021. Collection method: clinical testing. Allele origin: germline. Affected: yes.
Comment: In silico analysis supports that this missense variant has a deleterious effect on protein structure/function; In silico analysis supports a deleterious effect on splicing; Has not been previously published as pathogenic or benign to our knowledge; This variant is associated with the following publications: (PMID: 25625332)

Center for Genomic Medicine, Rigshospitalet, Copenhagen University Hospital
Classification: Uncertain significance. Last evaluated: 2025-03-04. Review status: criteria provided, single submitter. Criteria: ACMG Guidelines, 2015. Collection method: clinical testing. Allele origin: germline.

Labcorp Genetics (formerly Invitae), Labcorp
Classification: Uncertain significance for POLD1-related polyposis and colorectal cancer syndrome. Last evaluated: 2025-01-29. Review status: criteria provided, single submitter. Criteria: Invitae Variant Classification Sherloc (09022015). Collection method: clinical testing. Allele origin: germline.
Comment: This sequence change replaces glycine, which is neutral and non-polar, with arginine, which is basic and polar, at codon 203 of the POLD1 protein (p.Gly203Arg). This variant is present in population databases (rs369896998, gnomAD 0.01%). This variant has not been reported in the literature in individuals affected with POLD1-related conditions. ClinVar contains an entry for this variant (Variation ID: 420334). Invitae Evidence Modeling of protein sequence and biophysical properties (such as structural, functional, and spatial information, amino acid conservation, physicochemical variation, residue mobility, and thermodynamic stability) indicates that this missense variant is not expected to disrupt POLD1 protein function with a negative predictive value of 80%. RNA analysis performed to evaluate the impact of this missense change on mRNA splicing indicates it does not significantly alter splicing (internal data). In summary, the available evidence is currently insufficient to determine the role of this variant in disease. Therefore, it has been classified as a Variant of Uncertain Significance.

Ambry Genetics
Classification: Uncertain significance for Hereditary cancer-predisposing syndrome. Last evaluated: 2024-12-12. Review status: criteria provided, single submitter. Criteria: Ambry Variant Classification Scheme 2023. Collection method: clinical testing. Allele origin: germline.
Comment: The p.G203R variant (also known as c.607G>A), located in coding exon 5 of the POLD1 gene, results from a G to A substitution at nucleotide position 607. The glycine at codon 203 is replaced by arginine, an amino acid with dissimilar properties. This amino acid position is highly conserved in available vertebrate species. In addition, the in silico prediction for this alteration is inconclusive. Based on the available evidence, the clinical significance of this variant remains unclear.

Quest Diagnostics Nichols Institute San Juan Capistrano
Classification: Uncertain significance. Last evaluated: 2018-09-08. Review status: criteria provided, single submitter. Criteria: Quest Diagnostics criteria. Collection method: clinical testing. Allele origin: germline.

PreventionGenetics, part of Exact Sciences
Classification: Uncertain significance for POLD1-related condition. Last evaluated: 2024-05-11. Review status: no assertion criteria provided. Collection method: clinical testing. Allele origin: germline. Not counted in ClinVar's aggregate classification.
Comment: The POLD1 c.607G>A variant is predicted to result in the amino acid substitution p.Gly203Arg. To our knowledge, this variant has not been reported in the literature. This variant is reported in 0.012% of alleles in individuals of African descent in gnomAD, and it is interpreted as uncertain in ClinVar. Although we suspect that this variant may be benign, at this time, the clinical significance of this variant is uncertain due to the absence of conclusive functional and genetic evidence.

Literature cited by the submitters: PubMed 25625332 (cited by Quest Diagnostics Nichols Institute San Juan Capistrano).